The following is an entry in ClinVar:

NM_001105206.3(LAMA4):c.1960-3T>C

Gene: LAMA4 (laminin subunit alpha 4; minus strand). Cytogenetic location: 6q21.
Variant type: single nucleotide variant.
Coding change: c.1960-3T>C on transcript NM_001105206.3 (MANE Select); 3 bases into the intron before coding-DNA position 1960, T replaced by C.
Molecular consequence: intron variant.
Genome position (GRCh38, 1-based): chr6:112,154,950, A>G on the plus strand (T>C on the coding strand, the complement: LAMA4 is on the minus strand). VCF-style: chr6-112154950-A-G. GRCh37 (hg19) VCF-style: chr6-112476152-A-G.
Other names: c.1939-3T>C (NM_002290.5, NM_001105207.3, LRG_433t2); c.1960-3T>C (NM_001105206.2).
Identifiers: ClinVar variation 388786 (VCV000388786.13), dbSNP rs373682270, ClinGen allele CA3965622.
Genomic context (GRCh38, chr6:112,154,950, plus strand): 5'-GGAGGTTCTCACTTTCATCTTTATGGTAAATGATTTGAGTATCAATCCCACTCACCGCCT[A>G]CAAAGGAATTGAGAGAAGAGGGTAAAAATGACAGCAGAAGAAATCAGCTATTCATAGTTG-3'

ClinVar aggregate classification (germline): Conflicting classifications of pathogenicity. Review status: criteria provided, conflicting classifications (1 of 4 stars). 4 submissions from 4 submitters: Uncertain significance (3); Likely benign (1). Last evaluated 2026-08-27.

Conditions:
Cardiovascular phenotype. Identifiers: MedGen CN230736.
Dilated cardiomyopathy 1JJ (CMD1JJ). Identifiers: Orphanet 154, MedGen C3808935, MONDO:0014095, OMIM 615235.

Allele frequency attached by ClinVar (database versions not stated): gnomAD exomes 0.00003 and 0.00006; TOPMed 0.00004; gnomAD 0.00006 and 0.00005; ExAC 0.00003; ESP Exome Variant Server 0.00008.
gnomAD v4.1: 58 of 1,597,122 alleles (0.0036%); highest among the groups gnomAD compares: South Asian, 0.0055%; no homozygotes.

Submissions (4):

Ambry Genetics
Classification: Uncertain significance for Cardiovascular phenotype. Last evaluated: 2026-08-27. Review status: criteria provided, single submitter. Criteria: Ambry Variant Classification Scheme 2023. Collection method: clinical testing. Allele origin: germline.
Comment: The c.1939-3T>C intronic variant results from a T to C substitution 3 nucleotides upstream from coding exon 15 in the LAMA4 gene. This nucleotide position is not well conserved in available vertebrate species. In silico splice site analysis predicts that this alteration will not have any significant effect on splicing. The evidence for this gene-disease relationship is limited; therefore, the clinical significance of this variant is unclear.

Labcorp Genetics (formerly Invitae), Labcorp
Classification: Uncertain significance for Dilated cardiomyopathy 1JJ. Last evaluated: 2025-12-07. Review status: criteria provided, single submitter. Criteria: Invitae Variant Classification Sherloc (09022015). Collection method: clinical testing. Allele origin: germline.
Comment: This sequence change falls in intron 15 of the LAMA4 gene. It does not directly change the encoded amino acid sequence of the LAMA4 protein. It affects a nucleotide within the consensus splice site. This variant is present in population databases (rs373682270, gnomAD 0.06%), and has an allele count higher than expected for a pathogenic variant. This variant has not been reported in the literature in individuals affected with LAMA4-related conditions. ClinVar contains an entry for this variant (Variation ID: 388786). Variants that disrupt the consensus splice site are a relatively common cause of aberrant splicing (PMID: 17576681, 9536098). Algorithms developed to predict the effect of sequence changes on RNA splicing suggest that this variant is not likely to affect RNA splicing. In summary, the available evidence is currently insufficient to determine the role of this variant in disease. Therefore, it has been classified as a Variant of Uncertain Significance.

Clinical Genomics Laboratory, Stanford Medicine
Classification: Uncertain significance. Last evaluated: 2021-12-03. Review status: criteria provided, single submitter. Criteria: ACMG Guidelines, 2015. Collection method: clinical testing. Allele origin: germline. Observed: 1 variant allele, 1 heterozygote.
Comment: The c.1960-3T>C variant in the LAMA4 gene has not been previously reported in association with disease. This variant has been identified in 8/10,068 Ashkenazi Jewish chromosomes (14/250,840 chromosomes overall) by the Genome Aggregation Database. Although this variant has been seen in the general population, it has not been observed at a high enough frequency to rule out pathogenicity. This variant occurs in the 3’ acceptor splice site in intron 15 and alters a nucleotide within the consensus splice site sequence. Computational tools do not predict an impact to splicing, however, the accuracy of these computational tools is limited. These data were assessed using the ACMG/AMP variant interpretation guidelines. In summary, the significance of the c.1960-3T>C variant is uncertain. Additional information is needed to resolve the significance of this variant. [ACMG evidence codes used: PM2; BP4; BP7]

GeneDx
Classification: Likely benign. Last evaluated: 2016-08-18. Review status: criteria provided, single submitter. Criteria: GeneDx Variant Classification (06012015). Collection method: clinical testing. Allele origin: germline. Affected: yes.
Comment: This variant is considered likely benign or benign based on one or more of the following criteria: it is a conservative change, it occurs at a poorly conserved position in the protein, it is predicted to be benign by multiple in silico algorithms, and/or has population frequency not consistent with disease.

Literature cited by the submitters: PubMed 17576681 (cited by Labcorp Genetics (formerly Invitae), Labcorp); PubMed 9536098 (cited by Labcorp Genetics (formerly Invitae), Labcorp).